The following is an entry in ClinVar:

NM_004463.3(FGD1):c.2511_2521del (p.Trp838fs)

Genes: FGD1 (FYVE, RhoGEF and PH domain containing 1; minus strand), TSR2 (TSR2 ribosome maturation factor; plus strand). Cytogenetic location: Xp11.22.
Variant type: Deletion.
Coding change: c.2511_2521del on transcript NM_004463.3 (MANE Select); coding-DNA positions 2511 to 2521, 11 bases deleted (ATGGCACAAGG).
Protein change: p.Trp838fs; shifts the reading frame from tryptophan 838.
Molecular consequence: frameshift variant. On other transcripts: 3 prime UTR variant (5).
Genome position (GRCh38, 1-based): chrX:54,447,370-54,447,380, CCTTGTGCCAT deleted on the plus strand (ATGGCACAAGG on the coding strand, the reverse complement: FGD1 is on the minus strand); deleting any 11 consecutive bases within chrX:54,447,370-54,447,384 gives the same sequence; the c. name uses the placement nearest the transcript's 3' end. VCF-style (leftmost placement, unchanged base first): chrX-54447369-GCCTTGTGCCAT-G. GRCh37 (hg19) VCF-style: chrX-54473802-GCCTTGTGCCAT-G.
Other names: c.*2824_*2834del (NM_001346789.2, NM_001346790.2, NM_001346791.2 and 2 more transcripts); short protein forms W838fs.
Identifiers: ClinVar variation 4854278 (VCV004854278.1).
Genomic context (GRCh38, chrX:54,447,369, plus strand): 5'-ACCTGAGGGGCTCCGTAGATATACAGCACCAAGGGTTCATTTTCAGGGACCACGAACCAT[GCCTTGTGCCAT>G]CCTTTGCCACCCTTCTCCATGTAGTGCAGGAAGCTGCAGATGACGCTGTTCTCTGCAGCC-3'

ClinVar aggregate classification (germline): Likely pathogenic (1 of 4 stars; one submission).

Conditions:
Aarskog syndrome (AAS). Also called: FGD1-Related Faciogenital Dysplasia (Aarskog-Scott Syndrome); FGDY; Aarskog Scott syndrome; Aarskog disease; Aarskog-Scott syndrome, X-linked. Identifiers: Orphanet 915, MedGen C0175701, MONDO:0010589, OMIM 305400.

Submission:

3billion
Classification: Likely pathogenic for Aarskog syndrome. Last evaluated: 2025-10-22. Review status: criteria provided, single submitter. Criteria: ACMG Guidelines, 2015. Collection method: clinical testing. Allele origin: germline. Affected: yes.
Comment: The variant is not observed in the gnomAD v4.1.0 dataset. Predicted Consequence/Location: Frameshift: predicted to result in a loss or disruption of normal protein function through nonsense-mediated decay (NMD) or protein truncation. Multiple pathogenic variants are reported downstream of the variant. Therefore, this variant is classified as Likely pathogenic according to the recommendation of ACMG/AMP guideline.